The following is an entry in ClinVar:

NM_001614.5(ACTG1):c.767G>A (p.Arg256Gln)

Gene: ACTG1 (actin gamma 1; minus strand). Cytogenetic location: 17q25.3.
Variant type: single nucleotide variant.
Coding change: c.767G>A on transcript NM_001614.5 (MANE Select); coding-DNA position 767, G replaced by A.
Protein change: p.Arg256Gln; replaces arginine 256 with glutamine.
Molecular consequence: missense variant. On other transcripts: non-coding transcript variant (1).
Genome position (GRCh38, 1-based): chr17:81,511,223, C>T on the plus strand (G>A on the coding strand, the complement: ACTG1 is on the minus strand). VCF-style: chr17-81511223-C-T. GRCh37 (hg19) VCF-style: chr17-79478249-C-T.
Other names: c.767G>A, p.Arg256Gln (NM_001199954.3); c.767G>A (NM_001614.3); short protein forms R256Q.
Identifiers: ClinVar variation 444419 (VCV000444419.45), dbSNP rs1555666624, ClinGen allele CA401459768.
Genomic context (GRCh38, chr17:81,511,223, plus strand): 5'-GAAACCTTTAGCTCACAACACCTACCCAGGAAGGAAGGCTGGAACAGCGCCTCCGGACAC[C>T]GGAACCGCTCATTGCCAATGGTGATGACCTGGCCATCGGGCAGCTCGTAGCTCTTCTCCA-3'
Protein context (NP_001605.1, residues 246-266): QVITIGNERF[Arg256Gln]CPEALFQPSF

ClinVar aggregate classification (germline): Pathogenic/Likely pathogenic. Review status: criteria provided, multiple submitters, no conflicts (2 of 4 stars). 3 submissions from 3 submitters: Pathogenic (1); Likely pathogenic (2). Last evaluated 2026-08-10.

Conditions:
Baraitser-winter syndrome 2. Identifiers: Orphanet 2995, MedGen C3281235, MONDO:0013812, OMIM 614583.
Inborn genetic diseases. Identifiers: MedGen C0950123, MeSH D030342.

Submissions (3):

Ambry Genetics
Classification: Likely pathogenic for Inborn genetic diseases. Last evaluated: 2026-08-10. Review status: criteria provided, single submitter. Criteria: Ambry Variant Classification Scheme 2023. Collection method: clinical testing. Allele origin: germline.
Comment: The c.767G>A (p.R256Q) alteration is located in exon 4 (coding exon 3) of the ACTG1 gene. This alteration results from a G to A substitution at nucleotide position 767, causing the arginine (R) at amino acid position 256 to be replaced by a glutamine (Q). for autosomal dominant Baraitser-Winter syndrome; however, its clinical significance for autosomal dominant ACTG1-related deafness is uncertain. This variant was not reported in population-based cohorts in the Genome Aggregation Database (gnomAD). This variant was reported in individual(s) with features consistent with Baraitser-Winter syndrome; in at least one individual, it was determined to be de novo (Accogli, 2020). Other variant(s) at the same codon, c.766C>T (p.R256W) have been identified in individual(s) with features consistent with [Baraitser-Winter syndrome] (Rivi&egrave;re, 2012). This amino acid position is highly conserved in available vertebrate species. This alteration is predicted to be deleterious by in silico analysis. Based on the available evidence, this alteration is classified as likely pathogenic.

CeGaT Center for Human Genetics Tuebingen
Classification: Pathogenic. Last evaluated: 2024-05-01. Review status: criteria provided, single submitter. Criteria: CeGaT Center For Human Genetics Tuebingen Variant Classification Criteria Version 2. Collection method: clinical testing. Allele origin: germline. Affected: yes. Observed: 2 variant alleles.
Comment: ACTG1: PM6:Strong, PM2, PM5, PP2, PS4:Supporting

Clinical Genetics Service, Universitary Hospital 12 de Octubre
Classification: Likely pathogenic for Baraitser-winter syndrome 2. Review status: criteria provided, single submitter. Criteria: ACMG Guidelines, 2015. Collection method: clinical testing. Allele origin: germline. Affected: yes.

Literature cited by the submitters: PubMed 22366783 (cited by Ambry Genetics); PubMed 32570172 (cited by Ambry Genetics); PubMed 35054877 (cited by Ambry Genetics).